The following is an entry in ClinVar:

ClinVar aggregate classification (germline): Conflicting classifications of pathogenicity. Review status: criteria provided, conflicting classifications (1 of 4 stars). 8 submissions from 8 submitters: Uncertain significance (6); Likely benign (1). 1 of the submissions does not count toward it. Last evaluated 2025-11-01.

Conditions:
Hereditary cancer-predisposing syndrome. Also called: Hereditary Cancer Syndrome; Tumor predisposition; Neoplastic Syndromes, Hereditary; Hereditary neoplastic syndrome. Identifiers: Orphanet 140162, MedGen C0027672, MeSH D009386, MONDO:0015356.
Familial cancer of breast. Also called: hereditary breast carcinoma; BREAST CANCER, FAMILIAL; Hereditary breast cancer. Identifiers: Orphanet 227535, MedGen C0346153, MONDO:0016419, OMIM 114480. Disease mechanism: loss of function.
Ataxia-telangiectasia syndrome (AT). Also called: ATAXIA-TELANGIECTASIA, COMPLEMENTATION GROUP A; ATAXIA-TELANGIECTASIA, FRESNO VARIANT; Ataxia-telangiectasia; Ataxia-telangiectasia, complementation group E; Cerebello-oculocutaneous telangiectasia; Immunodeficiency with ataxia telangiectasia. Identifiers: Orphanet 100, MedGen C0004135, MONDO:0008840, OMIM 208900.

Allele frequency attached by ClinVar (database versions not stated): gnomAD 0.00001 and 0.00003; TOPMed 0.00005.
gnomAD v4.1: 8 of 1,612,412 alleles (0.0005%); highest among the groups gnomAD compares: Admixed American, 0.005%; no homozygotes.

Submissions (8):

Labcorp Genetics (formerly Invitae), Labcorp
Classification: Uncertain significance for Ataxia-telangiectasia syndrome. Last evaluated: 2025-11-01. Review status: criteria provided, single submitter. Criteria: Invitae Variant Classification Sherloc (09022015). Collection method: clinical testing. Allele origin: germline.
Comment: This sequence change replaces arginine, which is basic and polar, with glycine, which is neutral and non-polar, at codon 1973 of the ATM protein (p.Arg1973Gly). The frequency data for this variant in the population databases is considered unreliable, as metrics indicate poor data quality at this position in the gnomAD database. This missense change has been observed in individual(s) with breast cancer (PMID: 31206626). ClinVar contains an entry for this variant (Variation ID: 185328). An algorithm developed to predict the effect of missense changes on protein structure and function (PolyPhen-2) suggests that this variant is likely to be tolerated. Studies have shown that this missense change is associated with inconclusive levels of altered splicing (internal data). In summary, the available evidence is currently insufficient to determine the role of this variant in disease. Therefore, it has been classified as a Variant of Uncertain Significance.

Ambry Genetics
Classification: Uncertain significance for Hereditary cancer-predisposing syndrome. Last evaluated: 2025-08-06. Review status: criteria provided, single submitter. Criteria: Ambry Variant Classification Scheme 2023. Collection method: clinical testing. Allele origin: germline.
Comment: The p.R1973G variant (also known as c.5917A>G), located in coding exon 38 of the ATM gene, results from an A to G substitution at nucleotide position 5917. The arginine at codon 1973 is replaced by glycine, an amino acid with dissimilar properties. This variant was detected in 1/1054 Hispanic BRCA1/2-negative probands with hereditary breast cancer and 0/1189 controls (Weitzel JN et al. Cancer, 2019 Aug;125:2829-2836). This amino acid position is highly conserved in available vertebrate species. In addition, this alteration is predicted to be tolerated by in silico analysis. Based on the available evidence, the clinical significance of this variant remains unclear.

Color Diagnostics, LLC DBA Color Health
Classification: Likely benign for Hereditary cancer-predisposing syndrome. Last evaluated: 2024-10-29. Review status: criteria provided, single submitter. Criteria: ACMG Guidelines, 2015. Collection method: clinical testing. Allele origin: germline.

Baylor Genetics
Classification: Uncertain significance for Familial cancer of breast. Last evaluated: 2024-02-26. Review status: criteria provided, single submitter. Criteria: ACMG Guidelines, 2015. Collection method: clinical testing. Allele origin: unknown.

Quest Diagnostics Nichols Institute San Juan Capistrano
Classification: Uncertain significance. Last evaluated: 2024-01-29. Review status: criteria provided, single submitter. Criteria: Quest Diagnostics criteria. Collection method: clinical testing. Allele origin: unknown.

GeneDx
Classification: Uncertain significance. Last evaluated: 2023-01-20. Review status: criteria provided, single submitter. Criteria: GeneDx Variant Classification Process June 2021. Collection method: clinical testing. Allele origin: germline. Affected: yes.
Comment: Not observed at significant frequency in large population cohorts (gnomAD); In silico analysis supports that this missense variant does not alter protein structure/function; Has not been previously published as pathogenic or benign to our knowledge; This variant is associated with the following publications: (PMID: 23532176, 30287823)

Mendelics
Classification: Uncertain significance for Ataxia-telangiectasia syndrome. Last evaluated: 2018-07-02. Review status: criteria provided, single submitter. Criteria: Mendelics Assertion Criteria 2017. Collection method: clinical testing. Allele origin: unknown.

Natera, Inc.
Classification: Uncertain significance for Ataxia-telangiectasia. Last evaluated: 2020-12-31. Review status: no assertion criteria provided. Collection method: clinical testing. Allele origin: germline. Not counted in ClinVar's aggregate classification.

Literature cited by the submitters: PubMed 31206626 (cited by 3 submitters).

NM_000051.4(ATM):c.5917A>G (p.Arg1973Gly)

Genes: C11orf65 (chromosome 11 open reading frame 65; minus strand), ATM (ATM serine/threonine kinase; plus strand). Cytogenetic location: 11q22.3.
Variant type: single nucleotide variant.
Coding change: c.5917A>G on transcript NM_000051.4 (MANE Select); coding-DNA position 5917, A replaced by G.
Protein change: p.Arg1973Gly; replaces arginine 1973 with glycine.
Molecular consequence: missense variant. On other transcripts: intron variant (2).
Genome position (GRCh38, 1-based): chr11:108,310,314, A>G. VCF-style: chr11-108310314-A-G. GRCh37 (hg19) VCF-style: chr11-108181041-A-G.
Other names: c.5917A>G, p.Arg1973Gly (NM_001351834.2); c.641-1243T>C (NM_001330368.2); c.*39-1243T>C (NM_001351110.2); short protein forms R1973G.
Identifiers: ClinVar variation 185328 (VCV000185328.73), dbSNP rs786202089, ClinGen allele CA191653.